The following is an entry in ClinVar:

NM_006231.4(POLE):c.2636A>G (p.Lys879Arg)

Gene: POLE (DNA polymerase epsilon, catalytic subunit; minus strand). Cytogenetic location: 12q24.33.
Variant type: single nucleotide variant.
Coding change: c.2636A>G on transcript NM_006231.4 (MANE Select); coding-DNA position 2636, A replaced by G.
Protein change: p.Lys879Arg; replaces lysine 879 with arginine.
Molecular consequence: missense variant.
Genome position (GRCh38, 1-based): chr12:132,664,074, T>C on the plus strand (A>G on the coding strand, the complement: POLE is on the minus strand). VCF-style: chr12-132664074-T-C. GRCh37 (hg19) VCF-style: chr12-133240660-T-C.
Other names: short protein forms K879R.
Identifiers: ClinVar variation 473543 (VCV000473543.8), dbSNP rs1555226439, ClinGen allele CA387395492.
Genomic context (GRCh38, chr12:132,664,074, plus strand): 5'-ATGTTCAACATGGCGCCTGGGTAGGAGATGGTCACTTTGGGCTTCTTCACATTGGTCGTC[T>C]TGAAGACAAAATTTTCTGGGAAGCTGTTGGGCAGGACGCACCATATACCATCTGTGTCCA-3'
Protein context (NP_006222.2, residues 869-889): PNSFPENFVF[Lys879Arg]TTNVKKPKVT

ClinVar aggregate classification (germline): Uncertain significance (1 of 4 stars; one submission).

Submission:

Labcorp Genetics (formerly Invitae), Labcorp
Classification: Uncertain significance. Last evaluated: 2017-06-25. Review status: criteria provided, single submitter. Criteria: Invitae Variant Classification Sherloc (09022015). Collection method: clinical testing. Allele origin: germline.
Comment: This variant is not present in population databases (ExAC no frequency). This sequence change replaces lysine with arginine at codon 879 of the POLE protein (p.Lys879Arg). The lysine residue is highly conserved and there is a small physicochemical difference between lysine and arginine. This variant has not been reported in the literature in individuals with POLE-related disease. Algorithms developed to predict the effect of missense changes on protein structure and function (SIFT, PolyPhen-2, Align-GVGD) all suggest that this variant is likely to be tolerated, but these predictions have not been confirmed by published functional studies and their clinical significance is uncertain. Algorithms developed to predict the effect of sequence changes on RNA splicing suggest that this variant may create or strengthen a splice site, but this prediction has not been confirmed by published transcriptional studies. In summary, the available evidence is currently insufficient to determine the role of this variant in disease. Therefore, it has been classified as a Variant of Uncertain Significance.